The following is an entry in ClinVar:

ClinVar aggregate classification (germline): Uncertain significance (1 of 4 stars; one submission).

Allele frequency attached by ClinVar (database versions not stated): gnomAD exomes 0.00002.

Submission:

Labcorp Genetics (formerly Invitae), Labcorp
Classification: Uncertain significance. Last evaluated: 2023-11-16. Review status: criteria provided, single submitter. Criteria: Invitae Variant Classification Sherloc (09022015). Collection method: clinical testing. Allele origin: germline.
Comment: This sequence change replaces arginine, which is basic and polar, with histidine, which is basic and polar, at codon 295 of the WHRN protein (p.Arg295His). This variant is present in population databases (rs145466116, gnomAD 0.007%). This variant has not been reported in the literature in individuals affected with WHRN-related conditions. ClinVar contains an entry for this variant (Variation ID: 1896576). An algorithm developed to predict the effect of missense changes on protein structure and function (PolyPhen-2) suggests that this variant is likely to be disruptive. In summary, the available evidence is currently insufficient to determine the role of this variant in disease. Therefore, it has been classified as a Variant of Uncertain Significance.

NM_015404.4(WHRN):c.884G>A (p.Arg295His)

Gene: WHRN (whirlin; minus strand). Cytogenetic location: 9q32.
Variant type: single nucleotide variant.
Coding change: c.884G>A on transcript NM_015404.4 (MANE Select); coding-DNA position 884, G replaced by A.
Protein change: p.Arg295His; replaces arginine 295 with histidine.
Molecular consequence: missense variant. On other transcripts: 5 prime UTR variant (1).
Genome position (GRCh38, 1-based): chr9:114,466,346, C>T on the plus strand (G>A on the coding strand, the complement: WHRN is on the minus strand). VCF-style: chr9-114466346-C-T. GRCh37 (hg19) VCF-style: chr9-117228626-C-T.
Other names: c.-266G>A (NM_001083885.3); c.884G>A, p.Arg295His (NM_001173425.2); short protein forms R295H.
Identifiers: ClinVar variation 1896576 (VCV001896576.5), dbSNP rs145466116, ClinGen allele CA5206129.